The following is an entry in ClinVar:

ClinVar aggregate classification (germline): Uncertain significance. Review status: criteria provided, multiple submitters, no conflicts (2 of 4 stars). 3 submissions from 3 submitters: Uncertain significance (2). 1 of the submissions does not count toward it. Last evaluated 2021-08-30.

Conditions:
SPATA7-related disorder. Also called: SPATA7-related condition; SPATA7-related disorders. Identifiers: MedGen CN239422.
Leber congenital amaurosis 3 (LCA3). Also called: SPATA7-Related Retinitis Pigmentosa. Identifiers: MedGen C1858677, MONDO:0011415, OMIM 604232.

Allele frequency attached by ClinVar (database versions not stated): ExAC 0.00001; gnomAD exomes 0.00001; TOPMed 0.00001; ESP Exome Variant Server 0.00008.
gnomAD v4.1: 12 of 1,613,932 alleles (0.00074%); highest among the groups gnomAD compares: Non-Finnish European, 0.001%; no homozygotes.

Submissions (3):

Labcorp Genetics (formerly Invitae), Labcorp
Classification: Uncertain significance for Leber congenital amaurosis 3. Last evaluated: 2021-08-30. Review status: criteria provided, single submitter. Criteria: Invitae Variant Classification Sherloc (09022015). Collection method: clinical testing. Allele origin: germline.
Comment: This sequence change replaces glutamine with lysine at codon 565 of the SPATA7 protein (p.Gln565Lys). The glutamine residue is weakly conserved and there is a small physicochemical difference between glutamine and lysine. This variant is present in population databases (rs149705437, ExAC 0.002%). This variant has not been reported in the literature in individuals affected with SPATA7-related conditions. Algorithms developed to predict the effect of missense changes on protein structure and function (SIFT, PolyPhen-2, Align-GVGD) all suggest that this variant is likely to be tolerated. In summary, the available evidence is currently insufficient to determine the role of this variant in disease. Therefore, it has been classified as a Variant of Uncertain Significance.

Blueprint Genetics
Classification: Uncertain significance. Last evaluated: 2019-09-30. Review status: criteria provided, single submitter. Criteria: ACMG Guidelines, 2015. Collection method: clinical testing. Allele origin: germline.

PreventionGenetics, part of Exact Sciences
Classification: Uncertain significance for SPATA7-related condition. Last evaluated: 2024-09-24. Review status: no assertion criteria provided. Collection method: clinical testing. Allele origin: germline. Not counted in ClinVar's aggregate classification.
Comment: The SPATA7 c.1693C>A variant is predicted to result in the amino acid substitution p.Gln565Lys. To our knowledge, this variant has not been reported in the literature. This variant is reported in 0.0018% of alleles in individuals of European (Non-Finnish) descent in gnomAD. At this time, the clinical significance of this variant is uncertain due to the absence of conclusive functional and genetic evidence.

NM_018418.5(SPATA7):c.1693C>A (p.Gln565Lys)

Gene: SPATA7 (spermatogenesis associated 7; plus strand). Cytogenetic location: 14q31.3.
Variant type: single nucleotide variant.
Coding change: c.1693C>A on transcript NM_018418.5 (MANE Select); coding-DNA position 1693, C replaced by A.
Protein change: p.Gln565Lys; replaces glutamine 565 with lysine.
Molecular consequence: missense variant.
Genome position (GRCh38, 1-based): chr14:88,438,315, C>A. VCF-style: chr14-88438315-C-A. GRCh37 (hg19) VCF-style: chr14-88904659-C-A.
Other names: c.1693C>A (NM_018418.4); c.1597C>A, p.Gln533Lys (NM_001040428.4); short protein forms Q533K, Q565K.
Identifiers: ClinVar variation 1406691 (VCV001406691.7), dbSNP rs149705437, ClinGen allele CA7298851.